The following is an entry in ClinVar:

NM_000133.4(F9):c.1115T>C (p.Leu372Pro)

Gene: F9 (coagulation factor IX; plus strand). Cytogenetic location: Xq27.1.
Variant type: single nucleotide variant.
Coding change: c.1115T>C on transcript NM_000133.4 (MANE Select); coding-DNA position 1115, T replaced by C.
Protein change: p.Leu372Pro; replaces leucine 372 with proline.
Molecular consequence: missense variant.
Genome position (GRCh38, 1-based): chrX:139,561,800, T>C. VCF-style: chrX-139561800-T-C. GRCh37 (hg19) VCF-style: chrX-138643959-T-C.
Other names: NM_000133.4(F9):c.1115T>C; p.Leu372Pro; c.1001T>C, p.Leu334Pro (NM_001313913.2); short protein forms L372P, L334P.
Identifiers: ClinVar variation 520832 (VCV000520832.5), dbSNP rs1556008584, ClinGen allele CA414445997.
Genomic context (GRCh38, chrX:139,561,800, plus strand): 5'-ATGTAAGTGGCTGGGGAAGAGTCTTCCACAAAGGGAGATCAGCTTTAGTTCTTCAGTACC[T>C]TAGAGTTCCACTTGTTGACCGAGCCACATGTCTTCGATCTACAAAGTTCACCATCTATAA-3'
Protein context (NP_000124.1, residues 362-382): KGRSALVLQY[Leu372Pro]RVPLVDRATC

ClinVar aggregate classification (germline): Likely pathogenic. Review status: reviewed by expert panel (3 of 4 stars). 2 submissions from 2 submitters: Likely pathogenic (1). 1 of the submissions does not count toward it. Last evaluated 2025-11-07.

Conditions:
Inborn genetic diseases. Identifiers: MedGen C0950123, MeSH D030342.
Hereditary factor IX deficiency disease (HEMB). Also called: F9 DEFICIENCY; FACTOR IX DEFICIENCY; PLASMA THROMBOPLASTIN COMPONENT DEFICIENCY; Hemophilia B; Christmas Disease. Identifiers: Orphanet 98879, MedGen C0008533, MeSH D002836, MONDO:0010604, OMIM 306900.

Submissions (2):

ClinGen Coagulation Factor Deficiency Variant Curation Expert Panel, Clingen
Classification: Likely pathogenic for Hereditary factor IX deficiency disease. Last evaluated: 2025-11-07. Review status: reviewed by expert panel. Criteria: ClinGen CoagFactor ACMG Specifications F9 V1.0.0. Collection method: curation. Allele origin: germline.
Comment: The NM_000133.4(F9):c.1115T>C; p.Leu372Pro variant is absent in gnomAD v2.1.1 and v3.1.2, meeting PM2_Supporting criteria. This variant has a REVEL score of 0.897, which is above the cutoff (>0.6) to apply PP3. The variant has been reported in at least 3 probands with severe hemophilia B meeting PP4_Moderate and PS4_Moderate (PMID: 29296726, 22103590). In summary, this variant meets criteria to be classified as likely pathogenic for hemophilia B. ACMG/AMP criteria applied, as specified by the Coagulation Factor Deficiency Variant Curation Expert Panel specifications version 1.0.0 for F9: PS4_Moderate, PP4_Moderate, PP3, PM2_Supporting.

Ambry Genetics
Classification: Likely pathogenic for Inborn genetic diseases. Last evaluated: 2015-12-04. Review status: criteria provided, single submitter. Criteria: Ambry exome assertion method (8-5-2015). Collection method: clinical testing. Allele origin: germline. Affected: yes. Observed: 1 variant allele. Not counted in ClinVar's aggregate classification.